The following is an entry in ClinVar:

ClinVar aggregate classification (germline): Uncertain significance (1 of 4 stars; one submission).

Submission:

Labcorp Genetics (formerly Invitae), Labcorp
Classification: Uncertain significance. Last evaluated: 2025-03-16. Review status: criteria provided, single submitter. Criteria: Invitae Variant Classification Sherloc (09022015). Collection method: clinical testing. Allele origin: germline.
Comment: This sequence change replaces valine, which is neutral and non-polar, with glutamic acid, which is acidic and polar, at codon 2850 of the HSPG2 protein (p.Val2850Glu). This variant is not present in population databases (gnomAD no frequency). This variant has not been reported in the literature in individuals affected with HSPG2-related conditions. An algorithm developed to predict the effect of missense changes on protein structure and function (PolyPhen-2) suggests that this variant is likely to be disruptive. In summary, the available evidence is currently insufficient to determine the role of this variant in disease. Therefore, it has been classified as a Variant of Uncertain Significance.

NM_005529.7(HSPG2):c.8549T>A (p.Val2850Glu)

Gene: HSPG2 (heparan sulfate proteoglycan 2; minus strand). Cytogenetic location: 1p36.12.
Variant type: single nucleotide variant.
Coding change: c.8549T>A on transcript NM_005529.7 (MANE Select); coding-DNA position 8549, T replaced by A.
Protein change: p.Val2850Glu; replaces valine 2850 with glutamic acid.
Molecular consequence: missense variant.
Genome position (GRCh38, 1-based): chr1:21,844,215, A>T on the plus strand (T>A on the coding strand, the complement: HSPG2 is on the minus strand). VCF-style: chr1-21844215-A-T. GRCh37 (hg19) VCF-style: chr1-22170708-A-T.
Other names: c.8552T>A, p.Val2851Glu (NM_001291860.2); short protein forms V2851E, V2850E.
Identifiers: ClinVar variation 4715251 (VCV004715251.1).
Genomic context (GRCh38, chr1:21,844,215, plus strand): 5'-CGGGCAGGGAGGTTTCCTCCACGCTTGTGCCACGTGACCTGGGCGTGGGCCTGCCCGGGC[A>T]CCACGCACTTCAGATCCAGGGTCTGCCCTTCTGCCACTCGGGAGGAGGAGGGCTCGATGC-3'
Protein context (NP_005520.4, residues 2840-2860): EGQTLDLKCV[Val2850Glu]PGQAHAQVTW